The following is an entry in ClinVar:

NM_014363.6(SACS):c.9608G>A (p.Cys3203Tyr)

Gene: SACS (sacsin molecular chaperone; minus strand). Cytogenetic location: 13q12.12.
Variant type: single nucleotide variant.
Coding change: c.9608G>A on transcript NM_014363.6 (MANE Select); coding-DNA position 9608, G replaced by A.
Protein change: p.Cys3203Tyr; replaces cysteine 3203 with tyrosine.
Molecular consequence: missense variant.
Genome position (GRCh38, 1-based): chr13:23,334,268, C>T on the plus strand (G>A on the coding strand, the complement: SACS is on the minus strand). VCF-style: chr13-23334268-C-T. GRCh37 (hg19) VCF-style: chr13-23908407-C-T.
Other names: c.9167G>A, p.Cys3056Tyr (NM_001278055.2); short protein forms C3056Y, C3203Y.
Identifiers: ClinVar variation 1716814 (VCV001716814.5), dbSNP rs2542197180, ClinGen allele CA387514055.
Genomic context (GRCh38, chr13:23,334,268, plus strand): 5'-GGCAACACAGAGGATAACAAATCAGCAAAGCTGGAAATGTCAAACACTTTTGCAACTTTA[C>T]AGTTCAATAAAATATTACTATATTTCAAATATAATGTATTCATAAACAAGTCTTTGCGGG-3'
Protein context (NP_055178.3, residues 3193-3213): YLKYSNILLN[Cys3203Tyr]KVAKVFDISS

ClinVar aggregate classification (germline): Uncertain significance (1 of 4 stars; one submission).

Conditions:
Spastic paraplegia. Identifiers: MedGen C0037772, HP:0001258.

Allele frequency attached by ClinVar (database versions not stated): gnomAD exomes below 0.00001.
gnomAD v4.1: 1 of 1,609,450 alleles (0.000062%); highest among the groups gnomAD compares: Non-Finnish European, 0.000085%; no homozygotes.

Submission:

Labcorp Genetics (formerly Invitae), Labcorp
Classification: Uncertain significance for Spastic paraplegia. Last evaluated: 2022-08-19. Review status: criteria provided, single submitter. Criteria: Invitae Variant Classification Sherloc (09022015). Collection method: clinical testing. Allele origin: germline.
Comment: This sequence change replaces cysteine, which is neutral and slightly polar, with tyrosine, which is neutral and polar, at codon 3203 of the SACS protein (p.Cys3203Tyr). This variant is not present in population databases (gnomAD no frequency). This variant has not been reported in the literature in individuals affected with SACS-related conditions. Advanced modeling of protein sequence and biophysical properties (such as structural, functional, and spatial information, amino acid conservation, physicochemical variation, residue mobility, and thermodynamic stability) performed at Invitae indicates that this missense variant is not expected to disrupt SACS protein function. In summary, the available evidence is currently insufficient to determine the role of this variant in disease. Therefore, it has been classified as a Variant of Uncertain Significance.